The following is an entry in ClinVar:

NM_000179.3(MSH6):c.1847C>T (p.Ser616Phe)

Gene: MSH6 (mutS homolog 6; plus strand). Cytogenetic location: 2p16.3.
Variant type: single nucleotide variant.
Coding change: c.1847C>T on transcript NM_000179.3 (MANE Select); coding-DNA position 1847, C replaced by T.
Protein change: p.Ser616Phe; replaces serine 616 with phenylalanine.
Molecular consequence: missense variant.
Genome position (GRCh38, 1-based): chr2:47,799,830, C>T. VCF-style: chr2-47799830-C-T. GRCh37 (hg19) VCF-style: chr2-48026969-C-T.
Other names: c.1457C>T, p.Ser486Phe (NM_001281492.2); c.941C>T, p.Ser314Phe (NM_001281493.2, NM_001281494.2); short protein forms S616F, S486F, S314F.
Identifiers: ClinVar variation 455156 (VCV000455156.15), dbSNP rs772363120, ClinGen allele CA346749690.
Genomic context (GRCh38, chr2:47,799,830, plus strand): 5'-TTGAAAAAGGAAATCTCTCAAAGGAAACTAAAACAATTCTAAAGAGTTCATTGTCCTGTT[C>T]TCTTCAGGAAGGTCTGATACCCGGCTCCCAGTTTTGGGATGCATCCAAAACTTTGAGAAC-3'
Protein context (NP_000170.1, residues 606-626): KTILKSSLSC[Ser616Phe]LQEGLIPGSQ

ClinVar aggregate classification (germline): Conflicting classifications of pathogenicity. Review status: criteria provided, conflicting classifications (1 of 4 stars). 3 submissions from 3 submitters: Uncertain significance (2); Likely benign (1). Last evaluated 2024-05-24.

Conditions:
Hereditary nonpolyposis colorectal neoplasms. Identifiers: MedGen C0009405, MeSH D003123.
Hereditary cancer-predisposing syndrome. Also called: Hereditary Cancer Syndrome; Hereditary neoplastic syndrome; Neoplastic Syndromes, Hereditary; Tumor predisposition. Identifiers: Orphanet 140162, MedGen C0027672, MeSH D009386, MONDO:0015356.
Endometrial carcinoma. Also called: Endometrial carcinoma, somatic. Identifiers: MedGen C0476089, MONDO:0002447, OMIM 608089, HP:0012114.

gnomAD v4.1: 1 of 1,614,238 alleles (0.000062%); highest among the groups gnomAD compares: Non-Finnish European, 0.000085%; no homozygotes.

Submissions (3):

Ambry Genetics
Classification: Uncertain significance for Hereditary cancer-predisposing syndrome. Last evaluated: 2024-05-24. Review status: criteria provided, single submitter. Criteria: Ambry Variant Classification Scheme 2023. Collection method: clinical testing. Allele origin: germline.
Comment: The p.S616F variant (also known as c.1847C>T), located in coding exon 4 of the MSH6 gene, results from a C to T substitution at nucleotide position 1847. The serine at codon 616 is replaced by phenylalanine, an amino acid with highly dissimilar properties. This amino acid position is not well conserved in available vertebrate species. In addition, the in silico prediction for this alteration is inconclusive. Since supporting evidence is limited at this time, the clinical significance of this alteration remains unclear.

Labcorp Genetics (formerly Invitae), Labcorp
Classification: Likely benign for Hereditary nonpolyposis colorectal neoplasms. Last evaluated: 2024-04-25. Review status: criteria provided, single submitter. Criteria: Invitae Variant Classification Sherloc (09022015). Collection method: clinical testing. Allele origin: germline.

Baylor Genetics
Classification: Uncertain significance for Endometrial carcinoma. Last evaluated: 2023-10-12. Review status: criteria provided, single submitter. Criteria: ACMG Guidelines, 2015. Collection method: clinical testing. Allele origin: unknown.